The following is an entry in ClinVar:

NM_001015877.2(PHF6):c.829del (p.Arg277fs)

Gene: PHF6 (PHD finger protein 6; plus strand). Cytogenetic location: Xq26.2.
Variant type: Deletion.
Coding change: c.829del on transcript NM_001015877.2 (MANE Select); coding-DNA position 829, one base deleted (A; older notation c.829delA).
Protein change: p.Arg277fs; shifts the reading frame from arginine 277.
Molecular consequence: frameshift variant.
Genome position (GRCh38, 1-based): chrX:134,415,115, A deleted; the last of 5 consecutive A bases (chrX:134,415,111-134,415,115); deleting any one gives the same sequence. VCF-style (leftmost placement, unchanged base first): chrX-134415110-GA-G. GRCh37 (hg19) VCF-style: chrX-133549140-GA-G.
Other names: c.832del, p.Arg278fs (NM_032335.3); c.829del, p.Arg277fs (NM_032458.3); short protein forms R277fs, R278fs.
Identifiers: ClinVar variation 846281 (VCV000846281.1), dbSNP rs2077467552, ClinGen allele CA916082507.

ClinVar aggregate classification (germline): Pathogenic (1 of 4 stars; one submission).

Conditions:
Borjeson-Forssman-Lehmann syndrome (BFLS). Also called: MENTAL RETARDATION, X-LINKED, SYNDROMIC, BORJESON-FORSSMAN-LEHMANN TYPE; MENTAL RETARDATION, EPILEPSY, AND ENDOCRINE DISORDERS; BORJESON SYNDROME. Identifiers: Orphanet 127, MedGen C0265339, MONDO:0010537, OMIM 301900.

Submission:

Labcorp Genetics (formerly Invitae), Labcorp
Classification: Pathogenic for Borjeson-Forssman-Lehmann syndrome. Last evaluated: 2020-01-07. Review status: criteria provided, single submitter. Criteria: Invitae Variant Classification Sherloc (09022015). Collection method: clinical testing. Allele origin: germline.
Comment: This sequence change creates a premature translational stop signal (p.Arg277Glufs*2) in the PHF6 gene. It is expected to result in an absent or disrupted protein product. This variant is not present in population databases (ExAC no frequency). This variant has not been reported in the literature in individuals with PHF6-related conditions. Loss-of-function variants in PHF6 are known to be pathogenic (PMID: 12415272). For these reasons, this variant has been classified as Pathogenic.